The following is an entry in ClinVar:

NM_001042492.3(NF1):c.5505G>A (p.Gln1835=)

Gene: NF1 (neurofibromin 1; plus strand). Cytogenetic location: 17q11.2.
Variant type: single nucleotide variant.
Coding change: c.5505G>A on transcript NM_001042492.3 (MANE Select); coding-DNA position 5505, G replaced by A.
Protein change: p.Gln1835=; no amino-acid change (glutamine 1835 retained).
Molecular consequence: synonymous variant.
Genome position (GRCh38, 1-based): chr17:31,327,735, G>A. VCF-style: chr17-31327735-G-A. GRCh37 (hg19) VCF-style: chr17-29654753-G-A.
Other names: c.5442G>A, p.Gln1814= (NM_000267.4).
Identifiers: ClinVar variation 484072 (VCV000484072.14), dbSNP rs1555533615, ClinGen allele CA499446202.
Genomic context (GRCh38, chr17:31,327,735, plus strand): 5'-GGAGTGTGAAGCCATTGTCCAGTCTATCATTCATATCCGGACCCGCTGGGAACTGTCACA[G>A]CCCGACTCTATCCCCCAACACACCAAGATTCGGCCAAAAGATGTCCCTGGGACACTGCTC-3'
Protein context (NP_001035957.1, residues 1825-1845): IHIRTRWELS[Gln1835=]PDSIPQHTKI

ClinVar aggregate classification (germline): Benign/Likely benign. Review status: criteria provided, multiple submitters, no conflicts (2 of 4 stars). 4 submissions from 4 submitters: Benign (1); Likely benign (3). Last evaluated 2026-05-20.

Conditions:
Hereditary cancer-predisposing syndrome. Also called: Hereditary neoplastic syndrome; Neoplastic Syndromes, Hereditary; Hereditary Cancer Syndrome; Tumor predisposition. Identifiers: Orphanet 140162, MedGen C0027672, MeSH D009386, MONDO:0015356.
Cardiovascular phenotype. Identifiers: MedGen CN230736.
Neurofibromatosis, type 1 (NF1). Also called: Peripheral type neurofibromatosis; Neurofibromatosis, type I; VON RECKLINGHAUSEN DISEASE; NEUROFIBROMATOSIS, TYPE I, SOMATIC. Identifiers: Orphanet 636, MedGen C0027831, MONDO:0018975, OMIM 162200. Disease mechanism: loss of function.

Submissions (4):

Myriad Genetics, Inc.
Classification: Benign for Neurofibromatosis, type 1. Last evaluated: 2026-05-20. Review status: criteria provided, single submitter. Criteria: Myriad Autosomal Dominant, Autosomal Recessive and X-Linked Classification Criteria (2023). Collection method: clinical testing. Allele origin: unknown.
Comment: This variant is considered benign. This variant is a silent/synonymous amino acid change and it is not expected to impact splicing.

Genome-Nilou Lab
Classification: Likely benign for Neurofibromatosis, type 1. Last evaluated: 2022-03-15. Review status: criteria provided, single submitter. Criteria: ACMG Guidelines, 2015. Collection method: clinical testing. Allele origin: germline. Affected: no.

Labcorp Genetics (formerly Invitae), Labcorp
Classification: Likely benign for Neurofibromatosis, type 1. Last evaluated: 2021-04-16. Review status: criteria provided, single submitter. Criteria: Invitae Variant Classification Sherloc (09022015). Collection method: clinical testing. Allele origin: germline.

Ambry Genetics
Classification: Likely benign for Cardiovascular phenotype; Hereditary cancer-predisposing syndrome. Last evaluated: 2016-11-02. Review status: criteria provided, single submitter. Criteria: Ambry Variant Classification Scheme 2023. Collection method: clinical testing. Allele origin: germline.